The following is an entry in ClinVar:

ClinVar aggregate classification (germline): Uncertain significance (1 of 4 stars; one submission).

Conditions:
Cardiovascular phenotype. Identifiers: MedGen CN230736.

gnomAD v4.1: 3 of 1,613,488 alleles (0.00019%); highest among the groups gnomAD compares: Non-Finnish European, 0.00025%; no homozygotes.

Submission:

Ambry Genetics
Classification: Uncertain significance for Cardiovascular phenotype. Last evaluated: 2025-05-17. Review status: criteria provided, single submitter. Criteria: Ambry Variant Classification Scheme 2023. Collection method: clinical testing. Allele origin: germline.
Comment: The p.L1533W variant (also known as c.4598T>G), located in coding exon 8 of the ALPK3 gene, results from a T to G substitution at nucleotide position 4598. The leucine at codon 1533 is replaced by tryptophan, an amino acid with similar properties. This amino acid position is conserved. In addition, this alteration is predicted to be deleterious by in silico analysis. Based on the available evidence, the clinical significance of this variant remains unclear.

NM_020778.5(ALPK3):c.3992T>G (p.Leu1331Trp)

Gene: ALPK3 (alpha kinase 3; plus strand). Cytogenetic location: 15q25.3.
Variant type: single nucleotide variant.
Coding change: c.3992T>G on transcript NM_020778.5 (MANE Select); coding-DNA position 3992, T replaced by G.
Protein change: p.Leu1331Trp; replaces leucine 1331 with tryptophan.
Molecular consequence: missense variant.
Genome position (GRCh38, 1-based): chr15:84,859,802, T>G. VCF-style: chr15-84859802-T-G. GRCh37 (hg19) VCF-style: chr15-85403033-T-G.
Other names: short protein forms L1331W.
Identifiers: ClinVar variation 4044792 (VCV004044792.1).
Genomic context (GRCh38, chr15:84,859,802, plus strand): 5'-CATGGCCCTCACGAGTAGGGTCTCCACTCTGCAGCGCAGGGGATGAGGGGCCGGCGGCCT[T>G]GGCCATCGTGCAGGCCTCCCCCGTAGACTGCGGTGTGTATCGGTGCACCATCCACAATGA-3'
Protein context (NP_065829.4, residues 1321-1341): RSAGDEGPAA[Leu1331Trp]AIVQASPVDC